The following is an entry in ClinVar:

ClinVar aggregate classification (germline): Uncertain significance (1 of 4 stars; one submission).

Conditions:
Hereditary cancer-predisposing syndrome. Also called: Neoplastic Syndromes, Hereditary; Hereditary Cancer Syndrome; Hereditary neoplastic syndrome; Tumor predisposition. Identifiers: Orphanet 140162, MedGen C0027672, MeSH D009386, MONDO:0015356.

Submission:

Labcorp Genetics (formerly Invitae), Labcorp
Classification: Uncertain significance for Hereditary cancer-predisposing syndrome. Last evaluated: 2023-03-04. Review status: criteria provided, single submitter. Criteria: Invitae Variant Classification Sherloc (09022015). Collection method: clinical testing. Allele origin: germline.
Comment: This sequence change replaces alanine, which is neutral and non-polar, with proline, which is neutral and non-polar, at codon 546 of the RAD50 protein (p.Ala546Pro). This variant is not present in population databases (gnomAD no frequency). This variant has not been reported in the literature in individuals affected with RAD50-related conditions. An algorithm developed to predict the effect of missense changes on protein structure and function (PolyPhen-2) suggests that this variant is likely to be tolerated. In summary, the available evidence is currently insufficient to determine the role of this variant in disease. Therefore, it has been classified as a Variant of Uncertain Significance.

NM_005732.4(RAD50):c.1636G>C (p.Ala546Pro)

Gene: RAD50 (RAD50 double strand break repair protein; plus strand). Cytogenetic location: 5q31.1.
Variant type: single nucleotide variant.
Coding change: c.1636G>C on transcript NM_005732.4 (MANE Select); coding-DNA position 1636, G replaced by C.
Protein change: p.Ala546Pro; replaces alanine 546 with proline.
Molecular consequence: missense variant.
Genome position (GRCh38, 1-based): chr5:132,591,877, G>C. VCF-style: chr5-132591877-G-C. GRCh37 (hg19) VCF-style: chr5-131927569-G-C.
Other names: short protein forms A546P.
Identifiers: ClinVar variation 2842129 (VCV002842129.3), dbSNP rs760787160, ClinGen allele CA360946268.
Genomic context (GRCh38, chr5:132,591,877, plus strand): 5'-TTCTTGATATAATGTGGAGATATAGACTTTATTTTTAAAAGATTTTTTTTTTACCTATAG[G>C]CTGACAAAGATGAACAAATCAGAAAAATAAAATCTAGGCACAGTGATGAATTAACCTCAC-3'
Protein context (NP_005723.2, residues 536-556): TQMEMLTKDK[Ala546Pro]DKDEQIRKIK